The following is an entry in ClinVar:

NM_003482.4(KMT2D):c.15689G>A (p.Cys5230Tyr)

Gene: KMT2D (lysine methyltransferase 2D; minus strand). Cytogenetic location: 12q13.12.
Variant type: single nucleotide variant.
Coding change: c.15689G>A on transcript NM_003482.4 (MANE Select); coding-DNA position 15689, G replaced by A.
Protein change: p.Cys5230Tyr; replaces cysteine 5230 with tyrosine.
Molecular consequence: missense variant.
Genome position (GRCh38, 1-based): chr12:49,026,277, C>T on the plus strand (G>A on the coding strand, the complement: KMT2D is on the minus strand). VCF-style: chr12-49026277-C-T. GRCh37 (hg19) VCF-style: chr12-49420060-C-T.
Other names: short protein forms C5230Y.
Identifiers: ClinVar variation 1344637 (VCV001344637.8), dbSNP rs2137715091, ClinGen allele CA384685591.

ClinVar aggregate classification (germline): Pathogenic. Review status: criteria provided, single submitter (1 of 4 stars). 2 submissions from 2 submitters: Pathogenic (1). 1 of the submissions does not count toward it. Last evaluated 2024-02-23.

Conditions:
Kabuki syndrome. Also called: Kabuki make-up syndrome; NIIKAWA-KUROKI SYNDROME. Identifiers: Orphanet 2322, MedGen C0796004, MONDO:0016512.
Vein of Galen aneurysmal malformation (VGAM). Also called: Ectasia or varix of the vein of Galen; Galenic arteriovenous malformation; Vein of Galen aneurysm malformation; Galen vein aneurysm; Vein of Galen aneurysm; Aneurysm of the vein of Galen. Identifiers: Orphanet 1053, MedGen C0431420, MONDO:0015196, HP:0030713.

Submissions (2):

Labcorp Genetics (formerly Invitae), Labcorp
Classification: Pathogenic for Kabuki syndrome. Last evaluated: 2024-02-23. Review status: criteria provided, single submitter. Criteria: Invitae Variant Classification Sherloc (09022015). Collection method: clinical testing. Allele origin: germline.
Comment: This sequence change replaces cysteine, which is neutral and slightly polar, with tyrosine, which is neutral and polar, at codon 5230 of the KMT2D protein (p.Cys5230Tyr). This variant is not present in population databases (gnomAD no frequency). This missense change has been observed in individual(s) with clinical features of Kabuki syndrome (PMID: 30578106). In at least one individual the variant was observed to be de novo. ClinVar contains an entry for this variant (Variation ID: 1344637). Advanced modeling of protein sequence and biophysical properties (such as structural, functional, and spatial information, amino acid conservation, physicochemical variation, residue mobility, and thermodynamic stability) performed at Invitae indicates that this missense variant is expected to disrupt KMT2D protein function with a positive predictive value of 95%. For these reasons, this variant has been classified as Pathogenic.

Yale Center for Mendelian Genomics, Yale University
Classification: association for Vein of Galen aneurysmal malformation. Last evaluated: 2018-12-18. Review status: no assertion criteria provided. Collection method: literature only. Allele origin: de novo. Affected: yes. Observed: 1 heterozygote. Study: Yale Center for Mendelian Genomics. Not counted in ClinVar's aggregate classification.

Literature cited by the submitters: PubMed 30578106 (cited by Labcorp Genetics (formerly Invitae), Labcorp and Yale Center for Mendelian Genomics, Yale University).